The following is an entry in ClinVar:

ClinVar aggregate classification (germline): Uncertain significance (1 of 4 stars; one submission).

Conditions:
Sjögren-Larsson syndrome (SLS). Also called: ICHTHYOSIS, SPASTIC NEUROLOGIC DISORDER, AND OLIGOPHRENIA; FALDH DEFICIENCY; FATTY ALCOHOL:NAD+ OXIDOREDUCTASE DEFICIENCY; FATTY ALDEHYDE DEHYDROGENASE DEFICIENCY. Identifiers: Orphanet 816, MedGen C0037231, MONDO:0010031, OMIM 270200.

Allele frequency attached by ClinVar (database versions not stated): gnomAD exomes below 0.00001.
gnomAD v4.1: 4 of 1,614,146 alleles (0.00025%); highest among the groups gnomAD compares: Non-Finnish European, 0.00034%; no homozygotes.

Submission:

Baylor Genetics
Classification: Uncertain significance for Sjögren-Larsson syndrome. Last evaluated: 2019-08-23. Review status: criteria provided, single submitter. Criteria: ACMG Guidelines, 2015. Collection method: clinical testing. Allele origin: unknown. Affected: yes.
Comment: This variant was determined to be of uncertain significance according to ACMG Guidelines, 2015 [PMID:25741868].

NM_000382.3(ALDH3A2):c.605C>A (p.Thr202Asn)

Gene: ALDH3A2 (aldehyde dehydrogenase 3 family member A2; plus strand). Cytogenetic location: 17p11.2.
Variant type: single nucleotide variant.
Coding change: c.605C>A on transcript NM_000382.3 (MANE Select); coding-DNA position 605, C replaced by A.
Protein change: p.Thr202Asn; replaces threonine 202 with asparagine.
Molecular consequence: missense variant.
Genome position (GRCh38, 1-based): chr17:19,656,499, C>A. VCF-style: chr17-19656499-C-A. GRCh37 (hg19) VCF-style: chr17-19559812-C-A.
Other names: c.605C>A, p.Thr202Asn (NM_001031806.2, NM_001369136.1, NM_001369137.2 and 3 more transcripts); c.26C>A, p.Thr9Asn (NM_001369148.2); short protein forms T202N, T9N.
Identifiers: ClinVar variation 1030755 (VCV001030755.1), dbSNP rs2084899291, ClinGen allele CA398706520.